The following is an entry in ClinVar:

ClinVar aggregate classification (germline): Uncertain significance (1 of 4 stars; one submission).

Allele frequency attached by ClinVar (database versions not stated): gnomAD exomes below 0.00001.
gnomAD v4.1: 6 of 1,611,118 alleles (0.00037%); highest among the groups gnomAD compares: South Asian, 0.0022%; no homozygotes.

Submission:

Labcorp Genetics (formerly Invitae), Labcorp
Classification: Uncertain significance. Last evaluated: 2021-11-30. Review status: criteria provided, single submitter. Criteria: Invitae Variant Classification Sherloc (09022015). Collection method: clinical testing. Allele origin: germline.
Comment: Algorithms developed to predict the effect of missense changes on protein structure and function (SIFT, PolyPhen-2, Align-GVGD) all suggest that this variant is likely to be tolerated. In summary, the available evidence is currently insufficient to determine the role of this variant in disease. Therefore, it has been classified as a Variant of Uncertain Significance. This variant has not been reported in the literature in individuals affected with RNF31-related conditions. This variant is not present in population databases (gnomAD no frequency). This sequence change replaces isoleucine, which is neutral and non-polar, with threonine, which is neutral and polar, at codon 393 of the RNF31 protein (p.Ile393Thr).

NM_017999.5(RNF31):c.1178T>C (p.Ile393Thr)

Gene: RNF31 (ring finger protein 31; plus strand). Cytogenetic location: 14q12.
Variant type: single nucleotide variant.
Coding change: c.1178T>C on transcript NM_017999.5 (MANE Select); coding-DNA position 1178, T replaced by C.
Protein change: p.Ile393Thr; replaces isoleucine 393 with threonine.
Molecular consequence: missense variant.
Genome position (GRCh38, 1-based): chr14:24,150,429, T>C. VCF-style: chr14-24150429-T-C. GRCh37 (hg19) VCF-style: chr14-24619638-T-C.
Other names: c.725T>C, p.Ile242Thr (NM_001310332.2); short protein forms I242T, I393T.
Identifiers: ClinVar variation 2020659 (VCV002020659.4), dbSNP rs2501999073, ClinGen allele CA389292399.